The following is an entry in ClinVar:

NM_001174089.2(SLC4A11):c.2213C>T (p.Thr738Met)

Gene: SLC4A11 (solute carrier family 4 member 11; minus strand). Cytogenetic location: 20p13.
Variant type: single nucleotide variant.
Coding change: c.2213C>T on transcript NM_001174089.2 (MANE Select); coding-DNA position 2213, C replaced by T.
Protein change: p.Thr738Met; replaces threonine 738 with methionine.
Molecular consequence: missense variant. On other transcripts: non-coding transcript variant (1).
Genome position (GRCh38, 1-based): chr20:3,228,687, G>A on the plus strand (C>T on the coding strand, the complement: SLC4A11 is on the minus strand). VCF-style: chr20-3228687-G-A. GRCh37 (hg19) VCF-style: chr20-3209333-G-A.
Other names: c.2342C>T, p.Thr781Met (NM_001174090.2); c.2099C>T, p.Thr700Met (NM_001363745.2); c.2261C>T, p.Thr754Met (NM_032034.4); short protein forms T754M, T738M, T781M, T700M.
Identifiers: ClinVar variation 1321 (VCV000001321.5), dbSNP rs267607066, ClinGen allele CA114927.

ClinVar aggregate classification (germline): Conflicting classifications of pathogenicity. Review status: criteria provided, conflicting classifications (1 of 4 stars). 4 submissions from 4 submitters: Likely pathogenic (1); Uncertain significance (2). 1 of the submissions does not count toward it. Last evaluated 2026-03-26.

Conditions:
SLC4A11-related disorder. Also called: SLC4A11-related condition.
Congenital hereditary endothelial dystrophy of cornea. Also called: Congenital hereditary endothelial dystrophy of the cornea; Maumenee corneal dystrophy; CORNEAL DYSTROPHY, CONGENITAL HEREDITARY ENDOTHELIAL; Corneal endothelial dystrophy, autosomal recessive; Congenital hereditary endothelial dystrophy type II. Identifiers: Orphanet 293603, MedGen C1857569, MONDO:0009019, OMIM 217700.
Corneal dystrophy-perceptive deafness syndrome (CDPD). Also called: CORNEAL DYSTROPHY AND SENSORINEURAL DEAFNESS; HARBOYAN SYNDROME. Identifiers: Orphanet 1490, MedGen C1857572, MONDO:0009015, OMIM 217400.
Corneal dystrophy, Fuchs endothelial, 4 (FECD4). Identifiers: Orphanet 98974, MedGen C2750450, MONDO:0013204, OMIM 613268.

Allele frequency attached by ClinVar (database versions not stated): gnomAD exomes 0.00003; TOPMed 0.00003; ExAC 0.00004; gnomAD 0.00005 and 0.00006; ESP Exome Variant Server 0.00008.

Submissions (4):

PreventionGenetics, part of Exact Sciences
Classification: Uncertain significance for SLC4A11-related condition. Last evaluated: 2026-03-26. Review status: criteria provided, single submitter. Criteria: ACMG Guidelines, 2015. Collection method: clinical testing. Allele origin: germline.
Comment: The SLC4A11 c.2261C>T variant is predicted to result in the amino acid substitution p.Thr754Met. This variant has been reported in the heterozygous state in an individual with late-onset autosomal dominant Fuchs endothelial corneal dystrophy (FECD; Vithana et al. 2008. PubMed ID: 18024964). In vitro experimental studies in HEK293 cells have demonstrated that this variant leads to ER retention and reduced expression of mature glycosylated protein at the cell surface with a possible dominant-negative effect on wild type protein (Vithana et al. 2008. PubMed ID: 18024964; Vilas et al. 2012. PubMed ID: 22072594; Alka et al. 2018. PubMed ID: 29327391). This variant is reported in 0.016% of alleles in individuals of African descent in gnomAD. Although we suspect that this variant may be pathogenic, the clinical significance of this variant is uncertain at this time due to the absence of conclusive functional and genetic evidence.

Women's Health and Genetics/Laboratory Corporation of America, LabCorp
Classification: Uncertain significance. Last evaluated: 2024-10-14. Review status: criteria provided, single submitter. Criteria: LabCorp Variant Classification Summary - May 2015. Collection method: clinical testing. Allele origin: germline.
Comment: Variant summary: SLC4A11 c.2261C>T (p.Thr754Met) results in a non-conservative amino acid change located in the transmembrane domain (IPR011531) of the encoded protein sequence. Five of five in-silico tools predict a damaging effect of the variant on protein function. The variant allele was found at a frequency of 3.2e-05 in 249034 control chromosomes.The variant, c.2261C>T, has been reported in the literature in heterozygous state in an individual, who was affected with (dominant) late-onset Fuchs endothelial corneal dystrophy (FECD) (Vithana_2008). The authors of this report also reported experimental evidence evaluating an impact on protein function in successive in vitro functional studies, and found that the variant reduced the fraction of mature protein (~35-50% compared to normal), and caused impaired cell surface localization (Vithana_2008, Vilas_2012, Alka_2018). In addition, when the effect of the variant protein on WT was tested (in a co-expression system), the variant was capable of forming a dimer with the WT protein, and partially impaired its maturation to the plasma membrane, consistent with the dominant inheritance of FECD (Vilas_2012). The following publications have been ascertained in the context of this evaluation (PMID: 29327391, 22072594, 18024964). ClinVar contains an entry for this variant (Variation ID: 1321). Based on the evidence outlined above, the variant was classified as VUS-possibly pathogenic.

Fulgent Genetics
Classification: Likely pathogenic for Corneal dystrophy-perceptive deafness syndrome; Congenital hereditary endothelial dystrophy of cornea; Corneal dystrophy, Fuchs endothelial, 4. Last evaluated: 2024-01-16. Review status: criteria provided, single submitter. Criteria: ACMG Guidelines, 2015. Collection method: clinical testing. Allele origin: germline.

OMIM
Classification: Pathogenic for CORNEAL DYSTROPHY, FUCHS ENDOTHELIAL, 4. Last evaluated: 2006-07-01. Review status: no assertion criteria provided. Collection method: literature only. Allele origin: germline. Not counted in ClinVar's aggregate classification.

Literature cited by the submitters: PubMed 29327391 (cited by Women's Health and Genetics/Laboratory Corporation of America, LabCorp); PubMed 22072594 (cited by Women's Health and Genetics/Laboratory Corporation of America, LabCorp); PubMed 18024964 (cited by Women's Health and Genetics/Laboratory Corporation of America, LabCorp); PubMed 16767101 (cited by OMIM).